The following is an entry in ClinVar:

NM_032588.4(TRIM63):c.537G>A (p.Ala179=)

Gene: TRIM63 (tripartite motif containing 63; minus strand). Cytogenetic location: 1p36.11.
Variant type: single nucleotide variant.
Coding change: c.537G>A on transcript NM_032588.4 (MANE Select); coding-DNA position 537, G replaced by A.
Protein change: p.Ala179=; no amino-acid change (alanine 179 retained).
Molecular consequence: synonymous variant.
Genome position (GRCh38, 1-based): chr1:26,060,326, C>T on the plus strand (G>A on the coding strand, the complement: TRIM63 is on the minus strand). VCF-style: chr1-26060326-C-T. GRCh37 (hg19) VCF-style: chr1-26386817-C-T.
Identifiers: ClinVar variation 4995806 (VCV004995806.2), dbSNP rs756043069.

ClinVar aggregate classification (germline): Uncertain significance. Review status: criteria provided, multiple submitters, no conflicts (2 of 4 stars). 2 submissions from 2 submitters: Uncertain significance (2). Last evaluated 2026-09-21.

Conditions:
Cardiovascular phenotype. Identifiers: MedGen CN230736.
TRIM63-related disorder. Also called: TRIM63-related condition.

Submissions (2):

Molecular Diagnostic Laboratory for Inherited Cardiovascular Disease, Montreal Heart Institute
Classification: Uncertain significance for Cardiovascular phenotype. Last evaluated: 2026-09-21. Review status: criteria provided, single submitter. Criteria: ACMG Guidelines, 2015. Collection method: clinical testing. Allele origin: germline. Affected: yes.
Comment: PM2

PreventionGenetics, part of Exact Sciences
Classification: Uncertain significance for TRIM63-related condition. Last evaluated: 2026-05-28. Review status: criteria provided, single submitter. Criteria: ACMG Guidelines, 2015. Collection method: clinical testing. Allele origin: germline.
Comment: The TRIM63 c.537G>A variant is not predicted to result in an amino acid change (p.=). This variant is predicted to impact splicing based on splicing prediction programs (SpliceAI, Jaganathan et al. 2019. PubMed ID: 30661751). However, the use of computer prediction programs is not equivalent to functional evidence. To our knowledge, this variant has not been reported in the literature. This variant is reported in 0.013% of alleles in individuals of European (Non-Finnish) descent in gnomAD. At this time, the clinical significance of this variant is uncertain due to the absence of conclusive functional and genetic evidence.